The following is an entry in ClinVar:

NM_006208.3(ENPP1):c.224A>G (p.Tyr75Cys)

Gene: ENPP1 (ectonucleotide pyrophosphatase/phosphodiesterase 1; plus strand). Cytogenetic location: 6q23.2.
Variant type: single nucleotide variant.
Coding change: c.224A>G on transcript NM_006208.3 (MANE Select); coding-DNA position 224, A replaced by G.
Protein change: p.Tyr75Cys; replaces tyrosine 75 with cysteine.
Molecular consequence: missense variant.
Genome position (GRCh38, 1-based): chr6:131,808,259, A>G. VCF-style: chr6-131808259-A-G. GRCh37 (hg19) VCF-style: chr6-132129399-A-G.
Other names: short protein forms Y75C.
Identifiers: ClinVar variation 4811747 (VCV004811747.1).

ClinVar aggregate classification (germline): Uncertain significance (1 of 4 stars; one submission).

gnomAD v4.1: 1 of 1,513,754 alleles (0.000066%); highest among the groups gnomAD compares: Non-Finnish European, 0.000089%; no homozygotes.

Submission:

Labcorp Genetics (formerly Invitae), Labcorp
Classification: Uncertain significance. Last evaluated: 2025-07-27. Review status: criteria provided, single submitter. Criteria: Invitae Variant Classification Sherloc (09022015). Collection method: clinical testing. Allele origin: germline.
Comment: This sequence change replaces tyrosine, which is neutral and polar, with cysteine, which is neutral and slightly polar, at codon 75 of the ENPP1 protein (p.Tyr75Cys). This variant is not present in population databases (gnomAD no frequency). This variant has not been reported in the literature in individuals affected with ENPP1-related conditions. An algorithm developed to predict the effect of missense changes on protein structure and function (PolyPhen-2) suggests that this variant is likely to be disruptive. In summary, the available evidence is currently insufficient to determine the role of this variant in disease. Therefore, it has been classified as a Variant of Uncertain Significance.